The following is an entry in ClinVar:

NM_031308.4(EPPK1):c.6648C>A (p.Val2216=)

Gene: EPPK1 (epiplakin 1; minus strand). Cytogenetic location: 8q24.3.
Variant type: single nucleotide variant.
Coding change: c.6648C>A on transcript NM_031308.4 (MANE Select); coding-DNA position 6648, C replaced by A.
Protein change: p.Val2216=; no amino-acid change (valine 2216 retained).
Molecular consequence: synonymous variant.
Genome position (GRCh38, 1-based): chr8:143,866,606, G>T on the plus strand (C>A on the coding strand, the complement: EPPK1 is on the minus strand). VCF-style: chr8-143866606-G-T.
Identifiers: ClinVar variation 3029299 (VCV003029299.1), dbSNP rs2130617949, ClinGen allele CA848824684.

ClinVar aggregate classification (germline): Likely benign (1 of 4 stars; one submission).

Conditions:
EPPK1-related disorder. Also called: EPPK1-related condition.

Allele frequency attached by ClinVar (database versions not stated): gnomAD exomes below 0.00001.
gnomAD v4.1: 1 of 1,612,796 alleles (0.000062%); highest among the groups gnomAD compares: South Asian, 0.0011%; no homozygotes.

Submission:

PreventionGenetics, part of Exact Sciences
Classification: Likely benign for EPPK1-related condition. Last evaluated: 2021-11-22. Review status: criteria provided, single submitter. Criteria: ACMG Guidelines, 2015. Collection method: clinical testing. Allele origin: germline.
Comment: This variant is classified as likely benign based on ACMG/AMP sequence variant interpretation guidelines (Richards et al. 2015 PMID: 25741868, with internal and published modifications).